The following is an entry in ClinVar:

ClinVar aggregate classification (germline): Uncertain significance (1 of 4 stars; one submission).

Conditions:
LRRC45-related disorder. Also called: LRRC45-related condition.

Submission:

PreventionGenetics, part of Exact Sciences
Classification: Uncertain significance for LRRC45-related condition. Last evaluated: 2025-03-15. Review status: criteria provided, single submitter. Criteria: ACMG Guidelines, 2015. Collection method: clinical testing. Allele origin: germline.
Comment: The LRRC45 c.1411C>T variant is predicted to result in premature protein termination (p.Arg471*). To our knowledge, this variant has not been reported in the literature. This variant is reported in 0.0013% of alleles in individuals of European (Non-Finnish) descent in gnomAD. At this time, the clinical significance of this variant is uncertain due to the absence of conclusive functional and genetic evidence.

NM_144999.4(LRRC45):c.1411C>T (p.Arg471Ter)

Gene: LRRC45 (leucine rich repeat containing 45; plus strand). Cytogenetic location: 17q25.3.
Variant type: single nucleotide variant.
Coding change: c.1411C>T on transcript NM_144999.4 (MANE Select); coding-DNA position 1411, C replaced by T.
Protein change: p.Arg471Ter; replaces arginine 471 with a stop codon.
Molecular consequence: nonsense.
Genome position (GRCh38, 1-based): chr17:82,029,552, C>T. VCF-style: chr17-82029552-C-T. GRCh37 (hg19) VCF-style: chr17-79987428-C-T.
Other names: short protein forms R471*.
Identifiers: ClinVar variation 4982054 (VCV004982054.1).